The following is an entry in ClinVar:

NM_017802.4(DNAAF5):c.2164T>C (p.Cys722Arg)

Gene: DNAAF5 (dynein axonemal assembly factor 5; plus strand). Cytogenetic location: 7p22.3.
Variant type: single nucleotide variant.
Coding change: c.2164T>C on transcript NM_017802.4 (MANE Select); coding-DNA position 2164, T replaced by C.
Protein change: p.Cys722Arg; replaces cysteine 722 with arginine.
Molecular consequence: missense variant. On other transcripts: non-coding transcript variant (1).
Genome position (GRCh38, 1-based): chr7:775,087, T>C. VCF-style: chr7-775087-T-C. GRCh37 (hg19) VCF-style: chr7-814724-T-C.
Other names: c.2164T>C (NM_017802.3); short protein forms C722R.
Identifiers: ClinVar variation 3718258 (VCV003718258.3).

ClinVar aggregate classification (germline): Uncertain significance. Review status: criteria provided, multiple submitters, no conflicts (2 of 4 stars). 2 submissions from 2 submitters: Uncertain significance (2). Last evaluated 2025-05-14.

Conditions:
Primary ciliary dyskinesia. Also called: Ciliary dyskinesia. Identifiers: Orphanet 244, MedGen C0008780, MONDO:0016575, HP:0012265.

gnomAD v4.1: 1 of 1,614,126 alleles (0.000062%); highest among the groups gnomAD compares: Non-Finnish European, 0.000085%; no homozygotes.

Submissions (2):

Ambry Genetics
Classification: Uncertain significance for Primary ciliary dyskinesia. Last evaluated: 2025-05-14. Review status: criteria provided, single submitter. Criteria: Ambry Variant Classification Scheme 2023. Collection method: clinical testing. Allele origin: germline.

Labcorp Genetics (formerly Invitae), Labcorp
Classification: Uncertain significance for Primary ciliary dyskinesia. Last evaluated: 2024-08-04. Review status: criteria provided, single submitter. Criteria: Invitae Variant Classification Sherloc (09022015). Collection method: clinical testing. Allele origin: germline.
Comment: This sequence change replaces cysteine, which is neutral and slightly polar, with arginine, which is basic and polar, at codon 722 of the DNAAF5 protein (p.Cys722Arg). This variant is not present in population databases (gnomAD no frequency). This variant has not been reported in the literature in individuals affected with DNAAF5-related conditions. Advanced modeling of protein sequence and biophysical properties (such as structural, functional, and spatial information, amino acid conservation, physicochemical variation, residue mobility, and thermodynamic stability) performed at Invitae indicates that this missense variant is expected to disrupt DNAAF5 protein function with a positive predictive value of 80%. In summary, the available evidence is currently insufficient to determine the role of this variant in disease. Therefore, it has been classified as a Variant of Uncertain Significance.